The following continues an entry in ClinVar:

NM_000059.4(BRCA2):c.9235del (p.Val3079fs)

Gene: BRCA2. ClinVar aggregate classification (germline): Pathogenic. Pathogenic (1).

Submissions 11 to 18 of 18:

Color Diagnostics, LLC DBA Color Health
Classification: Pathogenic for Hereditary cancer-predisposing syndrome. Last evaluated: 2020-01-15. Review status: criteria provided, single submitter. Criteria: ACMG Guidelines, 2015. Collection method: clinical testing. Allele origin: germline. Not counted in ClinVar's aggregate classification.
Comment: This variant deletes 1 nucleotide in exon 24 of the BRCA2 gene, creating a frameshift and premature translation stop signal. This variant is expected to result in an absent or non-functional protein product. This variant has been identified in 8/250876 chromosomes in the general population by the Genome Aggregation Database (gnomAD). Loss of BRCA2 function is a known mechanism of disease. Based on the available evidence, this variant is classified as Pathogenic.

Genomic Medicine Lab, University of California San Francisco
Classification: Pathogenic for Polydactyly. Last evaluated: 2019-03-14. Review status: criteria provided, single submitter. Criteria: ACMG Guidelines, 2015. Collection method: clinical testing. Allele origin: maternal. Inheritance: Autosomal dominant inheritance. Affected: yes. Study: CSER. Not counted in ClinVar's aggregate classification.

ARUP Laboratories, Molecular Genetics and Genomics, ARUP Laboratories
Classification: Pathogenic. Last evaluated: 2016-11-21. Review status: criteria provided, single submitter. Criteria: ARUP Molecular Germline Variant Investigation Process. Collection method: clinical testing. Allele origin: germline. Not counted in ClinVar's aggregate classification.

Consortium of Investigators of Modifiers of BRCA1/2 (CIMBA), c/o University of Cambridge
Classification: Pathogenic for Breast-ovarian cancer, familial, susceptibility to, 2. Last evaluated: 2015-10-02. Review status: criteria provided, single submitter. Criteria: CIMBA Mutation Classification guidelines May 2016. Collection method: clinical testing. Allele origin: germline. Not counted in ClinVar's aggregate classification.

Counsyl
Classification: Likely pathogenic for Breast-ovarian cancer, familial, susceptibility to, 2. Last evaluated: 2015-06-11. Review status: no assertion criteria provided. Collection method: clinical testing. Allele origin: unknown. Not counted in ClinVar's aggregate classification.

Foulkes Cancer Genetics LDI, Lady Davis Institute for Medical Research
Classification: Pathogenic for Breast and/or ovarian cancer. Last evaluated: 2015-02-13. Review status: no assertion criteria provided. Collection method: clinical testing. Allele origin: germline. Study: The Canadian Open Genetics Repository (COGR). Not counted in ClinVar's aggregate classification.

Sharing Clinical Reports Project (SCRP)
Classification: Pathogenic for Breast-ovarian cancer, familial 2. Last evaluated: 2009-01-08. Review status: no assertion criteria provided. Collection method: clinical testing. Allele origin: germline. Not counted in ClinVar's aggregate classification.

Department of Pathology and Laboratory Medicine, Sinai Health System
Classification: Pathogenic for Breast-ovarian cancer, familial, susceptibility to, 2. Review status: no assertion criteria provided. Collection method: clinical testing. Allele origin: unknown. Affected: yes. Study: The Canadian Open Genetics Repository (COGR). Not counted in ClinVar's aggregate classification.
Comment: The p.Val3079PhefsX4 deletion variant was not identified in the literature. This variant is predicted to cause a frameshift, which alters the protein's amino acid sequence beginning at codon 3079 and leads to a premature stop codon 4 codons downstream. This alteration is then predicted to result in a truncated or absent protein and loss of function. Loss of function variants of the BRCA2 gene are an established disease mechanism in hereditary breast and ovarian cancer and is the type of variant expected to cause the disorder. In summary, based on the above information, this variant meets our laboratory's criteria to be classified as pathogenic.

Literature cited by the submitters: PubMed 20104584 (cited by Labcorp Genetics (formerly Invitae), Labcorp and Women's Health and Genetics/Laboratory Corporation of America, LabCorp); PubMed 25236687 (cited by 4 submitters); PubMed 38520597 (cited by Quest Diagnostics Nichols Institute San Juan Capistrano); PubMed 34196900 (cited by Quest Diagnostics Nichols Institute San Juan Capistrano and Women's Health and Genetics/Laboratory Corporation of America, LabCorp); PubMed 30630528 (cited by Quest Diagnostics Nichols Institute San Juan Capistrano and Women's Health and Genetics/Laboratory Corporation of America, LabCorp); PubMed 29446198 (cited by Quest Diagnostics Nichols Institute San Juan Capistrano and Women's Health and Genetics/Laboratory Corporation of America, LabCorp); PubMed 28281021 (cited by Quest Diagnostics Nichols Institute San Juan Capistrano and Women's Health and Genetics/Laboratory Corporation of America, LabCorp); PubMed 26295337 (cited by Quest Diagnostics Nichols Institute San Juan Capistrano).